The following is an entry in ClinVar:

NM_001908.5(CTSB):c.997G>A (p.Asp333Asn)

Gene: CTSB (cathepsin B). Cytogenetic location: 8p23.1.
Variant type: single nucleotide variant.
Coding change: c.997G>A on transcript NM_001908.5 (MANE Select); coding-DNA position 997, G replaced by A.
Protein change: p.Asp333Asn; replaces aspartic acid 333 with asparagine.
Molecular consequence: missense variant.
Genome position (GRCh38, 1-based): chr8:11,845,148, C>T on the plus strand (G>A on the coding strand, the complement: CTSB is on the minus strand). VCF-style: chr8-11845148-C-T. GRCh37 (hg19) VCF-style: chr8-11702657-C-T.
Other names: c.625G>A, p.Asp209Asn (NM_001317237.2); c.997G>A, p.Asp333Asn (NM_001384714.1, NM_001384723.1, NM_001384724.1 and 8 more transcripts); short protein forms D333N, D209N.
Identifiers: ClinVar variation 1444071 (VCV001444071.7), dbSNP rs149786664, ClinGen allele CA4632324.
Genomic context (GRCh38, chr8:11,845,148, plus strand): 5'-CTCGCCCCCAGGACTGGCACGACAGGCCCACGGCAGATTAGATCTTTTCCCAGTACTGAT[C>T]GGTGCGTGGAATTCCAGCCACCACTTCTGATTCGATTCCACAGTGATCCTGTCCTCTGAG-3'
Protein context (NP_001899.1, residues 323-339): SEVVAGIPRT[Asp333Asn]QYWEKI

ClinVar aggregate classification (germline): Uncertain significance. Review status: criteria provided, multiple submitters, no conflicts (2 of 4 stars). 2 submissions from 2 submitters: Uncertain significance (2). Last evaluated 2021-10-13.

Allele frequency attached by ClinVar (database versions not stated): ESP Exome Variant Server 0.00015.
gnomAD v4.1: 74 of 1,613,504 alleles (0.0046%); highest among the groups gnomAD compares: Middle Eastern, 0.017%; no homozygotes.

Submissions (2):

Labcorp Genetics (formerly Invitae), Labcorp
Classification: Uncertain significance. Last evaluated: 2021-10-13. Review status: criteria provided, single submitter. Criteria: Invitae Variant Classification Sherloc (09022015). Collection method: clinical testing. Allele origin: germline.
Comment: This sequence change replaces aspartic acid with asparagine at codon 333 of the CTSB protein (p.Asp333Asn). The aspartic acid residue is weakly conserved and there is a small physicochemical difference between aspartic acid and asparagine. This variant is present in population databases (rs149786664, ExAC 0.01%). This variant has not been reported in the literature in individuals affected with CTSB-related conditions. Algorithms developed to predict the effect of missense changes on protein structure and function are either unavailable or do not agree on the potential impact of this missense change (SIFT: "Not Available"; PolyPhen-2: "Benign"; Align-GVGD: "Not Available"). In summary, the available evidence is currently insufficient to determine the role of this variant in disease. Therefore, it has been classified as a Variant of Uncertain Significance.

Breakthrough Genomics
Classification: Uncertain significance. Review status: criteria provided, single submitter. Criteria: ACMG Guidelines, 2015. Collection method: not provided. Allele origin: germline. Inheritance: Autosomal recessive inheritance. Affected: yes.